The following is an entry in ClinVar:

NM_014254.3(RXYLT1):c.301C>T (p.Gln101Ter)

Gene: RXYLT1 (ribitol xylosyltransferase 1; plus strand). Cytogenetic location: 12q14.2.
Variant type: single nucleotide variant.
Coding change: c.301C>T on transcript NM_014254.3 (MANE Select); coding-DNA position 301, C replaced by T.
Protein change: p.Gln101Ter; replaces glutamine 101 with a stop codon.
Molecular consequence: nonsense. On other transcripts: 5 prime UTR variant (1).
Genome position (GRCh38, 1-based): chr12:63,781,150, C>T. VCF-style: chr12-63781150-C-T. GRCh37 (hg19) VCF-style: chr12-64174930-C-T.
Other names: c.-480C>T (NM_001278237.2); short protein forms Q101*.
Identifiers: ClinVar variation 2990579 (VCV002990579.3), dbSNP rs1160551428, ClinGen allele CA385584380.

ClinVar aggregate classification (germline): Pathogenic (1 of 4 stars; one submission).

Allele frequency attached by ClinVar (database versions not stated): gnomAD 0.00001; TOPMed 0.00001.

Submission:

Labcorp Genetics (formerly Invitae), Labcorp
Classification: Pathogenic. Last evaluated: 2023-02-16. Review status: criteria provided, single submitter. Criteria: Invitae Variant Classification Sherloc (09022015). Collection method: clinical testing. Allele origin: germline.
Comment: For these reasons, this variant has been classified as Pathogenic. This variant has not been reported in the literature in individuals affected with RXYLT1-related conditions. This variant is not present in population databases (gnomAD no frequency). This sequence change creates a premature translational stop signal (p.Gln101*) in the RXYLT1 gene. It is expected to result in an absent or disrupted protein product. Loss-of-function variants in RXYLT1 are known to be pathogenic (PMID: 23217329, 23519211, 31742715).

Literature cited by the submitters: PubMed 23217329; PubMed 23519211; PubMed 31742715.